The following is an entry in ClinVar:

NM_032833.5(PPP1R15B):c.255C>T (p.Ser85=)

Gene: PPP1R15B (protein phosphatase 1 regulatory subunit 15B; minus strand). Cytogenetic location: 1q32.1.
Variant type: single nucleotide variant.
Coding change: c.255C>T on transcript NM_032833.5 (MANE Select); coding-DNA position 255, C replaced by T.
Protein change: p.Ser85=; no amino-acid change (serine 85 retained).
Molecular consequence: synonymous variant.
Genome position (GRCh38, 1-based): chr1:204,411,157, G>A on the plus strand (C>T on the coding strand, the complement: PPP1R15B is on the minus strand). VCF-style: chr1-204411157-G-A. GRCh37 (hg19) VCF-style: chr1-204380285-G-A.
Identifiers: ClinVar variation 734922 (VCV000734922.23), dbSNP rs143907441, ClinGen allele CA1346857.

ClinVar aggregate classification (germline): Likely benign. Review status: criteria provided, multiple submitters, no conflicts (2 of 4 stars). 2 submissions from 2 submitters: Likely benign (2). Last evaluated 2026-08-01.

Allele frequency attached by ClinVar (database versions not stated): TOPMed 0.00038; gnomAD 0.00040 and 0.00044; gnomAD exomes 0.00053 and 0.00092; ExAC 0.00063; ESP Exome Variant Server 0.00085.
gnomAD v4.1: 1,383 of 1,614,116 alleles (0.086%); highest among the groups gnomAD compares: Non-Finnish European, 0.11%; 1 homozygote.

Submissions (2):

CeGaT Center for Human Genetics Tuebingen
Classification: Likely benign. Last evaluated: 2026-08-01. Review status: criteria provided, single submitter. Criteria: CeGaT Center For Human Genetics Tuebingen Variant Classification Criteria Version 2. Collection method: clinical testing. Allele origin: germline. Affected: yes. Observed: 2 variant alleles.
Comment: PPP1R15B: BP4, BP7

Labcorp Genetics (formerly Invitae), Labcorp
Classification: Likely benign. Last evaluated: 2024-04-02. Review status: criteria provided, single submitter. Criteria: Invitae Variant Classification Sherloc (09022015). Collection method: clinical testing. Allele origin: germline.